The following is an entry in ClinVar:

ClinVar aggregate classification (germline): Benign. Review status: criteria provided, multiple submitters, no conflicts (2 of 4 stars). 7 submissions from 7 submitters: Benign (6). 1 of the submissions does not count toward it. Last evaluated 2026-02-03.

Conditions:
Knobloch syndrome (KNO). Also called: RETINAL DETACHMENT AND OCCIPITAL ENCEPHALOCELE; Myopia retinal detachment encephalocele. Identifiers: Orphanet 1571, MedGen C1849409, MONDO:0800166.

Allele frequency attached by ClinVar (database versions not stated): 1000 Genomes Project 30x 0.07245; 1000 Genomes Project 0.07388; TOPMed 0.09303; ESP Exome Variant Server 0.09354; gnomAD 0.09402.
gnomAD v4.1: 162,277 of 1,613,712 alleles (10%); highest among the groups gnomAD compares: Non-Finnish European, 11%; 8,809 homozygotes.

Submissions (7):

Labcorp Genetics (formerly Invitae), Labcorp
Classification: Benign. Last evaluated: 2026-02-03. Review status: criteria provided, single submitter. Criteria: Invitae Variant Classification Sherloc (09022015). Collection method: clinical testing. Allele origin: germline.

Blueprint Genetics
Classification: Benign. Last evaluated: 2024-11-28. Review status: criteria provided, single submitter. Criteria: ACMG Guidelines, 2015. Collection method: clinical testing. Allele origin: germline.

GeneDx
Classification: Benign. Last evaluated: 2021-05-04. Review status: criteria provided, single submitter. Criteria: GeneDx Variant Classification Process June 2021. Collection method: clinical testing. Allele origin: germline. Affected: yes.

Illumina Laboratory Services, Illumina
Classification: Benign for Knobloch syndrome 1. Last evaluated: 2018-01-12. Review status: criteria provided, single submitter. Criteria: ICSL Variant Classification Criteria 13 December 2019. Collection method: clinical testing. Allele origin: germline.
Comment: This variant was observed in the ICSL laboratory as part of a predisposition screen in an ostensibly healthy population. It had not been previously curated by ICSL or reported in the Human Gene Mutation Database (HGMD: prior to June 1st, 2018), and was therefore a candidate for classification through an automated scoring system. Utilizing variant allele frequency, disease prevalence and penetrance estimates, and inheritance mode, an automated score was calculated to assess if this variant is too frequent to cause the disease. Based on the score and internal cut-off values, a variant classified as benign is not then subjected to further curation. The score for this variant resulted in a classification of benign for this disease.

Clinical Genetics DNA and cytogenetics Diagnostics Lab, Erasmus MC, Erasmus Medical Center
Classification: Benign for Knobloch syndrome 1. Last evaluated: 2017-06-28. Review status: criteria provided, single submitter. Criteria: ACGS Guidelines, 2013. Collection method: clinical testing. Allele origin: germline. Affected: yes. Study: VKGL Data-share Consensus.

Breakthrough Genomics
Classification: Benign. Review status: criteria provided, single submitter. Criteria: ACMG Guidelines, 2015. Collection method: not provided. Allele origin: germline. Inheritance: Autosomal recessive inheritance. Affected: yes.

Genome Diagnostics Laboratory, Amsterdam University Medical Center
Classification: Benign for Knobloch syndrome 1. Last evaluated: 2017-01-23. Review status: no assertion criteria provided. Criteria: ACGS Guidelines, 2013. Collection method: clinical testing. Allele origin: germline. Affected: yes. Study: VKGL Data-share Consensus. Not counted in ClinVar's aggregate classification.

NM_001379500.1(COL18A1):c.1224C>G (p.Gly408=)

Gene: COL18A1 (collagen type XVIII alpha 1 chain; plus strand). Cytogenetic location: 21q22.3.
Variant type: single nucleotide variant.
Coding change: c.1224C>G on transcript NM_001379500.1 (MANE Select); coding-DNA position 1224, C replaced by G.
Protein change: p.Gly408=; no amino-acid change (glycine 408 retained).
Molecular consequence: synonymous variant.
Genome position (GRCh38, 1-based): chr21:45,478,329, C>G. VCF-style: chr21-45478329-C-G. GRCh37 (hg19) VCF-style: chr21-46898243-C-G.
Other names: NM_130445.2:c.1224C>G; c.1764C>G, p.Gly588= (NM_030582.4); c.2469C>G, p.Gly823= (NM_130444.3).
Identifiers: ClinVar variation 340215 (VCV000340215.19), dbSNP rs13046486, ClinGen allele CA10066158.
Genomic context (GRCh38, chr21:45,478,329, plus strand): 5'-TGTAGGTGGCGCCGGAGGAGTCATTTCCCATCACTAATGGCTTCTCTTGCACACCCAGGG[C>G]GACCCCGGTGAAGACGGAAAGCCGGTGAGTCTGCTTTTCTTTCTGACCCCTGTGTTATCT-3'
Protein context (NP_001366429.1, residues 398-418): DGTPGRDGEP[Gly408=]DPGEDGKPGD